The following is an entry in ClinVar:

ClinVar aggregate classification (germline): Uncertain significance (1 of 4 stars; one submission).

Conditions:
Cardiovascular phenotype. Identifiers: MedGen CN230736.

Submission:

Ambry Genetics
Classification: Uncertain significance for Cardiovascular phenotype. Last evaluated: 2025-08-28. Review status: criteria provided, single submitter. Criteria: Ambry Variant Classification Scheme 2023. Collection method: clinical testing. Allele origin: germline.
Comment: The p.N259D variant (also known as c.775A>G), located in coding exon 6 of the LIPA gene, results from an A to G substitution at nucleotide position 775. The asparagine at codon 259 is replaced by aspartic acid, an amino acid with highly similar properties. This amino acid position is conserved. In addition, this alteration is predicted to be tolerated by in silico analysis. Based on the available evidence, the clinical significance of this variant remains unclear.

NM_000235.4(LIPA):c.775A>G (p.Asn259Asp)

Gene: LIPA (lipase A, lysosomal acid type; minus strand). Cytogenetic location: 10q23.31.
Variant type: single nucleotide variant.
Coding change: c.775A>G on transcript NM_000235.4 (MANE Select); coding-DNA position 775, A replaced by G.
Protein change: p.Asn259Asp; replaces asparagine 259 with aspartic acid.
Molecular consequence: missense variant.
Genome position (GRCh38, 1-based): chr10:89,223,731, T>C on the plus strand (A>G on the coding strand, the complement: LIPA is on the minus strand). VCF-style: chr10-89223731-T-C. GRCh37 (hg19) VCF-style: chr10-90983488-T-C.
Other names: c.775A>G, p.Asn259Asp (NM_001127605.3, NM_001440818.1, NM_001440819.1 and 16 more transcripts); c.427A>G, p.Asn143Asp (NM_001288979.2); c.907A>G, p.Asn303Asp (NM_001440836.1); c.796A>G, p.Asn266Asp (NM_001440837.1); c.790A>G, p.Asn264Asp (NM_001440838.1); c.607A>G, p.Asn203Asp (NM_001440839.1); short protein forms N203D, N259D, N264D, N303D, N143D, N266D.
Identifiers: ClinVar variation 4098211 (VCV004098211.1).